The following is an entry in ClinVar:

ClinVar aggregate classification (germline): Pathogenic (1 of 4 stars; one submission).

Conditions:
Adams-Oliver syndrome 4 (AOS4). Identifiers: Orphanet 974, MedGen C3809092, MONDO:0014124, OMIM 615297.

Submission:

Labcorp Genetics (formerly Invitae), Labcorp
Classification: Pathogenic for Adams-Oliver syndrome 4. Last evaluated: 2025-12-31. Review status: criteria provided, single submitter. Criteria: Invitae Variant Classification Sherloc (09022015). Collection method: clinical testing. Allele origin: germline.
Comment: This sequence change creates a premature translational stop signal (p.Leu66Valfs*7) in the EOGT gene. It is expected to result in an absent or disrupted protein product. Loss-of-function variants in EOGT are known to be pathogenic (PMID: 23522784, 23860037). This variant is present in population databases (rs751349298, gnomAD 0.003%). This variant has not been reported in the literature in individuals affected with EOGT-related conditions. For these reasons, this variant has been classified as Pathogenic.

Literature cited by the submitters: PubMed 23522784; PubMed 23860037.

NM_001278689.2(EOGT):c.196_199del (p.Leu66fs)

Gene: EOGT (EGF domain specific O-linked N-acetylglucosamine transferase; minus strand). Cytogenetic location: 3p14.1.
Variant type: Deletion.
Coding change: c.196_199del on transcript NM_001278689.2 (MANE Select); coding-DNA positions 196 to 199, 4 bases deleted (CTTT; older notation c.196_199delCTTT).
Protein change: p.Leu66fs; shifts the reading frame from leucine 66.
Molecular consequence: frameshift variant. On other transcripts: non-coding transcript variant (1).
Genome position (GRCh38, 1-based): chr3:69,009,648-69,009,651, AAAG deleted on the plus strand (CTTT on the coding strand, the reverse complement: EOGT is on the minus strand); deleting any 4 consecutive bases within chr3:69,009,648-69,009,652 gives the same sequence; the c. name uses the placement nearest the transcript's 3' end. VCF-style (leftmost placement, unchanged base first): chr3-69009647-CAAAG-C. GRCh37 (hg19) VCF-style: chr3-69058798-CAAAG-C.
Other names: c.196_199del, p.Leu66fs (NM_173654.3); short protein forms L66fs.
Identifiers: ClinVar variation 4692486 (VCV004692486.1).
Genomic context (GRCh38, chr3:69,009,647, plus strand): 5'-AGCTGAAATTGCATCCTCATAAAAATAAGGAGAAAAGAAATAATACCTACCTTATATGGA[CAAAG>C]AGAGTCTTTCCTACAGACAGTGGCAATATGCCTATTGTTGTGCAAAAAGAAGGGAATGTG-3'